The following is an entry in ClinVar:

NM_153704.6(TMEM67):c.459T>A (p.Cys153Ter)

Gene: TMEM67 (transmembrane protein 67; plus strand). Cytogenetic location: 8q22.1.
Variant type: single nucleotide variant.
Coding change: c.459T>A on transcript NM_153704.6 (MANE Select); coding-DNA position 459, T replaced by A.
Protein change: p.Cys153Ter; replaces cysteine 153 with a stop codon.
Molecular consequence: nonsense. On other transcripts: non-coding transcript variant (1).
Genome position (GRCh38, 1-based): chr8:93,763,894, T>A. VCF-style: chr8-93763894-T-A. GRCh37 (hg19) VCF-style: chr8-94776122-T-A.
Other names: c.216T>A, p.Cys72Ter (NM_001142301.1); short protein forms C153*, C72*.
Identifiers: ClinVar variation 1374490 (VCV001374490.6), dbSNP rs745935752, ClinGen allele CA4807655.

ClinVar aggregate classification (germline): Pathogenic (1 of 4 stars; one submission).

Conditions:
Joubert syndrome. Also called: CEREBELLOPARENCHYMAL DISORDER IV; JOUBERT-BOLTSHAUSER SYNDROME; Familial aplasia of the vermis. Identifiers: Orphanet 475, MedGen C5979921, MONDO:0018772.
Meckel-Gruber syndrome. Also called: DYSENCEPHALIA SPLANCHNOCYSTICA; GRUBER SYNDROME; Dysencephalia splachnocystica. Identifiers: Orphanet 564, MedGen C0265215, MONDO:0018921.

Allele frequency attached by ClinVar (database versions not stated): TOPMed below 0.00001; gnomAD exomes 0.00001; ExAC 0.00002.
gnomAD v4.1: 4 of 1,613,944 alleles (0.00025%); highest among the groups gnomAD compares: Non-Finnish European, 0.00034%; no homozygotes.

Submission:

Labcorp Genetics (formerly Invitae), Labcorp
Classification: Pathogenic for Joubert syndrome; Meckel-Gruber syndrome. Last evaluated: 2023-07-25. Review status: criteria provided, single submitter. Criteria: Invitae Variant Classification Sherloc (09022015). Collection method: clinical testing. Allele origin: germline.
Comment: ClinVar contains an entry for this variant (Variation ID: 1374490). Algorithms developed to predict the effect of sequence changes on RNA splicing suggest that this variant may disrupt the consensus splice site. For these reasons, this variant has been classified as Pathogenic. This variant has not been reported in the literature in individuals affected with TMEM67-related conditions. This variant is present in population databases (rs745935752, gnomAD 0.002%). This sequence change creates a premature translational stop signal (p.Cys153*) in the TMEM67 gene. It is expected to result in an absent or disrupted protein product. Loss-of-function variants in TMEM67 are known to be pathogenic (PMID: 20232449, 23559409).

Literature cited by the submitters: PubMed 20232449; PubMed 23559409.